The following is an entry in ClinVar:

ClinVar aggregate classification (germline): Uncertain significance (1 of 4 stars; one submission).

gnomAD v4.1: 1 of 1,614,170 alleles (0.000062%); highest among the groups gnomAD compares: African/African-American, 0.0013%; no homozygotes.

Submission:

Ambry Genetics
Classification: Uncertain significance. Last evaluated: 2026-02-16. Review status: criteria provided, single submitter. Criteria: Ambry Variant Classification Scheme 2023. Collection method: clinical testing. Allele origin: germline.
Comment: The p.Y295S variant (also known as c.884A>C), located in coding exon 1 of the CDK12 gene, results from an A to C substitution at nucleotide position 884. The tyrosine at codon 295 is replaced by serine, an amino acid with dissimilar properties. This amino acid position is conserved. In addition, the in silico prediction for this alteration is inconclusive. Based on the available evidence, the clinical significance of this variant remains unclear.

NM_016507.4(CDK12):c.884A>C (p.Tyr295Ser)

Genes: CDK12 (cyclin dependent kinase 12; plus strand), LOC126862553 (CDK7 strongly-dependent group 2 enhancer GRCh37_chr17:37618166-37619365; plus strand). Cytogenetic location: 17q12.
Variant type: single nucleotide variant.
Coding change: c.884A>C on transcript NM_016507.4 (MANE Select); coding-DNA position 884, A replaced by C.
Protein change: p.Tyr295Ser; replaces tyrosine 295 with serine.
Molecular consequence: missense variant.
Genome position (GRCh38, 1-based): chr17:39,462,955, A>C. VCF-style: chr17-39462955-A-C. GRCh37 (hg19) VCF-style: chr17-37619208-A-C.
Other names: c.884A>C, p.Tyr295Ser (NM_015083.4); short protein forms Y295S.
Identifiers: ClinVar variation 4844507 (VCV004844507.1).